The following is an entry in ClinVar:

ClinVar aggregate classification (germline): Uncertain significance. Review status: criteria provided, multiple submitters, no conflicts (2 of 4 stars). 3 submissions from 3 submitters: Uncertain significance (3). Last evaluated 2026-01-08.

Conditions:
Hereditary cancer-predisposing syndrome. Also called: Tumor predisposition; Neoplastic Syndromes, Hereditary; Hereditary neoplastic syndrome; Hereditary Cancer Syndrome. Identifiers: Orphanet 140162, MedGen C0027672, MeSH D009386, MONDO:0015356.
Colorectal cancer, susceptibility to, 12 (CRCS12). Also called: COLORECTAL CANCER, SUSCEPTIBILITY TO, ON CHROMOSOME 12q24. Identifiers: Orphanet 220460, MedGen C3554460, MONDO:0014038, OMIM 615083.

Allele frequency attached by ClinVar (database versions not stated): gnomAD exomes below 0.00001; TOPMed 0.00001.
gnomAD v4.1: 1 of 1,614,162 alleles (0.000062%); highest among the groups gnomAD compares: Admixed American, 0.0017%; no homozygotes.

Submissions (3):

Labcorp Genetics (formerly Invitae), Labcorp
Classification: Uncertain significance. Last evaluated: 2026-01-08. Review status: criteria provided, single submitter. Criteria: Invitae Variant Classification Sherloc (09022015). Collection method: clinical testing. Allele origin: germline.
Comment: This sequence change replaces methionine, which is neutral and non-polar, with threonine, which is neutral and polar, at codon 896 of the POLE protein (p.Met896Thr). This variant is present in population databases (no rsID available, gnomAD 0.003%). This variant has not been reported in the literature in individuals affected with POLE-related conditions. ClinVar contains an entry for this variant (Variation ID: 1019460). Invitae Evidence Modeling of protein sequence and biophysical properties (such as structural, functional, and spatial information, amino acid conservation, physicochemical variation, residue mobility, and thermodynamic stability) indicates that this missense variant is expected to disrupt POLE protein function with a positive predictive value of 80%. In summary, the available evidence is currently insufficient to determine the role of this variant in disease. Therefore, it has been classified as a Variant of Uncertain Significance.

Ambry Genetics
Classification: Uncertain significance for Hereditary cancer-predisposing syndrome. Last evaluated: 2025-03-25. Review status: criteria provided, single submitter. Criteria: Ambry Variant Classification Scheme 2023. Collection method: clinical testing. Allele origin: germline.
Comment: The p.M896T variant (also known as c.2687T>C), located in coding exon 23 of the POLE gene, results from a T to C substitution at nucleotide position 2687. The methionine at codon 896 is replaced by threonine, an amino acid with similar properties. This amino acid position is highly conserved in available vertebrate species. In addition, the in silico prediction for this alteration is inconclusive. Based on the available evidence, the clinical significance of this variant remains unclear.

St. Jude Molecular Pathology, St. Jude Children's Research Hospital
Classification: Uncertain significance for Colorectal cancer, susceptibility to, 12. Last evaluated: 2023-03-23. Review status: criteria provided, single submitter. Criteria: St. Jude Assertion Criteria 2020. Collection method: clinical testing. Allele origin: germline.
Comment: The POLE c.2687T>C (p.Met896Thr) missense change has a maximum subpopulation frequency of 0.0029% in gnomAD v2.1.1. The in silico tool REVEL predicts a deleterious effect on protein function, but to our knowledge this prediction has not been confirmed by functional studies. To our knowledge, this variant has not been reported in the literature in individuals with POLE-related disease. In summary, the evidence currently available is insufficient to determine the clinical significance of this variant. It has therefore been classified as of uncertain significance.

NM_006231.4(POLE):c.2687T>C (p.Met896Thr)

Gene: POLE (DNA polymerase epsilon, catalytic subunit; minus strand). Cytogenetic location: 12q24.33.
Variant type: single nucleotide variant.
Coding change: c.2687T>C on transcript NM_006231.4 (MANE Select); coding-DNA position 2687, T replaced by C.
Protein change: p.Met896Thr; replaces methionine 896 with threonine.
Molecular consequence: missense variant.
Genome position (GRCh38, 1-based): chr12:132,664,023, A>G on the plus strand (T>C on the coding strand, the complement: POLE is on the minus strand). VCF-style: chr12-132664023-A-G. GRCh37 (hg19) VCF-style: chr12-133240609-A-G.
Other names: c.2687T>C (NM_006231.2); short protein forms M896T.
Identifiers: ClinVar variation 1019460 (VCV001019460.10), dbSNP rs1385034253, ClinGen allele CA387395070.